The following is an entry in ClinVar:

NM_001376.5(DYNC1H1):c.13297G>A (p.Asp4433Asn)

Gene: DYNC1H1 (dynein cytoplasmic 1 heavy chain 1; plus strand). Cytogenetic location: 14q32.31.
Variant type: single nucleotide variant.
Coding change: c.13297G>A on transcript NM_001376.5 (MANE Select); coding-DNA position 13297, G replaced by A.
Protein change: p.Asp4433Asn; replaces aspartic acid 4433 with asparagine.
Molecular consequence: missense variant.
Genome position (GRCh38, 1-based): chr14:102,048,594, G>A. VCF-style: chr14-102048594-G-A. GRCh37 (hg19) VCF-style: chr14-102514931-G-A.
Other names: short protein forms D4433N.
Identifiers: ClinVar variation 565878 (VCV000565878.11), dbSNP rs749297332, ClinGen allele CA7354202.

ClinVar aggregate classification (germline): Conflicting classifications of pathogenicity. Review status: criteria provided, conflicting classifications (1 of 4 stars). 3 submissions from 3 submitters: Uncertain significance (1); Benign (1); Likely benign (1). Last evaluated 2025-09-05.

Conditions:
Charcot-Marie-Tooth disease axonal type 2O. Also called: Charcot-Marie-Tooth disease, axonal, type 20; Charcot-Marie-Tooth Neuropathy Type 2O; CHARCOT-MARIE-TOOTH NEUROPATHY, AXONAL, TYPE 2O; CHARCOT-MARIE-TOOTH DISEASE, AXONAL, AUTOSOMAL DOMINANT, TYPE 2O. Identifiers: Orphanet 284232, MedGen C3280220, MONDO:0013644, OMIM 614228.
Inborn genetic diseases. Identifiers: MedGen C0950123, MeSH D030342.

Allele frequency attached by ClinVar (database versions not stated): ExAC 0.00001; gnomAD 0.00001; TOPMed 0.00001.

Submissions (3):

Labcorp Genetics (formerly Invitae), Labcorp
Classification: Benign for Charcot-Marie-Tooth disease axonal type 2O. Last evaluated: 2025-09-05. Review status: criteria provided, single submitter. Criteria: Invitae Variant Classification Sherloc (09022015). Collection method: clinical testing. Allele origin: germline.

Laboratory of Genetics, Children's Clinical University Hospital Latvia
Classification: Likely benign. Last evaluated: 2025-02-16. Review status: criteria provided, single submitter. Criteria: ACMG Guidelines, 2015. Collection method: clinical testing. Allele origin: germline. Affected: yes.

Ambry Genetics
Classification: Uncertain significance for Inborn genetic diseases. Last evaluated: 2019-10-28. Review status: criteria provided, single submitter. Criteria: Ambry Variant Classification Scheme 2023. Collection method: clinical testing. Allele origin: germline.
Comment: The p.D4433N variant (also known as c.13297G>A), located in coding exon 74 of the DYNC1H1 gene, results from a G to A substitution at nucleotide position 13297. The aspartic acid at codon 4433 is replaced by asparagine, an amino acid with highly similar properties. This amino acid position is highly conserved in available vertebrate species. In addition, this alteration is predicted to be tolerated by in silico analysis. Since supporting evidence is limited at this time, the clinical significance of this alteration remains unclear.